The following is an entry in ClinVar:

ClinVar aggregate classification (germline): Uncertain significance (1 of 4 stars; one submission).

Conditions:
SLIT3-related disorder. Also called: SLIT3-related condition.

Submission:

PreventionGenetics, part of Exact Sciences
Classification: Uncertain significance for SLIT3-related condition. Last evaluated: 2022-09-08. Review status: criteria provided, single submitter. Criteria: ACMG Guidelines, 2015. Collection method: clinical testing. Allele origin: germline.
Comment: The SLIT3 c.*10_*17del8 variant is located in the 3' untranslated region. To our knowledge, this variant has not been reported in the literature. This variant is reported in 0.00097% of alleles in individuals of European (Non-Finnish) descent in gnomAD. Although we suspect that this variant may be benign, at this time, the clinical significance of this variant is uncertain due to the absence of conclusive functional and genetic evidence.

NM_003062.4(SLIT3):c.*10_*17del

Gene: SLIT3 (slit guidance ligand 3; minus strand). Cytogenetic location: 5q34.
Variant type: Deletion.
Coding change: c.*10_*17del on transcript NM_003062.4 (MANE Select); 10 bases downstream of the stop codon through 17 bases downstream of the stop codon, 8 bases deleted (CGCCTGCC; older notation c.*10_*17delCGCCTGCC).
Molecular consequence: 3 prime UTR variant.
Genome position (GRCh38, 1-based): chr5:168,666,437-168,666,444, GGCAGGCG deleted on the plus strand (CGCCTGCC on the coding strand, the reverse complement: SLIT3 is on the minus strand); deleting any 8 consecutive bases within chr5:168,666,437-168,666,450 gives the same sequence; the c. name uses the placement nearest the transcript's 3' end. VCF-style (leftmost placement, unchanged base first): chr5-168666436-AGGCAGGCG-A. GRCh37 (hg19) VCF-style: chr5-168093441-AGGCAGGCG-A.
Other names: c.*10_*17del (NM_001271946.2).
Identifiers: ClinVar variation 2635824 (VCV002635824.1), dbSNP rs768418458, ClinGen allele CA3550551.